The following is an entry in ClinVar:

ClinVar aggregate classification (germline): Uncertain significance (1 of 4 stars; one submission).

Conditions:
Cone-rod dystrophy 13 (CORD13). Identifiers: Orphanet 1872, MedGen C2750720, MONDO:0011987, OMIM 608194.
Leber congenital amaurosis 6 (LCA6). Identifiers: Orphanet 65, MedGen C1854260, MONDO:0013446, OMIM 613826.

Submission:

Labcorp Genetics (formerly Invitae), Labcorp
Classification: Uncertain significance for Leber congenital amaurosis 6; Cone-rod dystrophy 13. Last evaluated: 2022-07-05. Review status: criteria provided, single submitter. Criteria: Invitae Variant Classification Sherloc (09022015). Collection method: clinical testing. Allele origin: germline.
Comment: In summary, the available evidence is currently insufficient to determine the role of this variant in disease. Therefore, it has been classified as a Variant of Uncertain Significance. Algorithms developed to predict the effect of missense changes on protein structure and function (SIFT, PolyPhen-2, Align-GVGD) all suggest that this variant is likely to be tolerated. This variant has not been reported in the literature in individuals affected with RPGRIP1-related conditions. This variant is not present in population databases (gnomAD no frequency). This sequence change replaces histidine, which is basic and polar, with leucine, which is neutral and non-polar, at codon 988 of the RPGRIP1 protein (p.His988Leu).

NM_020366.4(RPGRIP1):c.2963A>T (p.His988Leu)

Gene: RPGRIP1 (RPGR interacting protein 1; plus strand). Cytogenetic location: 14q11.2.
Variant type: single nucleotide variant.
Coding change: c.2963A>T on transcript NM_020366.4 (MANE Select); coding-DNA position 2963, A replaced by T.
Protein change: p.His988Leu; replaces histidine 988 with leucine.
Molecular consequence: missense variant.
Genome position (GRCh38, 1-based): chr14:21,328,491, A>T. VCF-style: chr14-21328491-A-T. GRCh37 (hg19) VCF-style: chr14-21796650-A-T.
Other names: c.941A>T, p.His314Leu (NM_001377523.1, NM_001377950.1); c.1889A>T, p.His630Leu (NM_001377948.1); c.1049A>T, p.His350Leu (NM_001377949.1); c.443A>T, p.His148Leu (NM_001377951.1); short protein forms H148L, H314L, H350L, H630L, H988L.
Identifiers: ClinVar variation 2014236 (VCV002014236.4), dbSNP rs201597595, ClinGen allele CA388871076.